The following is an entry in ClinVar:

ClinVar aggregate classification (germline): Conflicting classifications of pathogenicity. Review status: criteria provided, conflicting classifications (1 of 4 stars). 11 submissions from 10 submitters: Uncertain significance (1); Benign (2); Likely benign (5). 3 of the submissions do not count toward it. Last evaluated 2026-04-01.

Conditions:
Amyotrophic lateral sclerosis type 12 (ALS12). Also called: AMYOTROPHIC LATERAL SCLEROSIS 12 WITH OR WITHOUT FRONTOTEMPORAL DEMENTIA. Identifiers: Orphanet 803, MedGen C3150692, MONDO:0013264, OMIM 613435.
Primary open angle glaucoma (POAG). Also called: OPTN-related open angle glaucoma. Identifiers: MedGen C0339573, MONDO:0100553, OMIM 137760.
Glaucoma 1, open angle, E. Identifiers: MedGen C1842026, MONDO:0007665.

Allele frequency attached by ClinVar (database versions not stated): 1000 Genomes Project 30x 0.00078; 1000 Genomes Project 0.00080; gnomAD 0.00108; ESP Exome Variant Server 0.00123; gnomAD exomes 0.00157; ExAC 0.00162; TOPMed 0.00195.
gnomAD v4.1: 2,996 of 1,614,118 alleles (0.19%); highest among the groups gnomAD compares: Middle Eastern, 0.48%; 3 homozygotes.

Submissions (11):

CeGaT Center for Human Genetics Tuebingen
Classification: Likely benign. Last evaluated: 2026-04-01. Review status: criteria provided, single submitter. Criteria: CeGaT Center For Human Genetics Tuebingen Variant Classification Criteria Version 2. Collection method: clinical testing. Allele origin: germline. Affected: yes. Observed: 11 variant alleles.
Comment: OPTN: BP4, BP7

Labcorp Genetics (formerly Invitae), Labcorp
Classification: Likely benign for Primary open angle glaucoma; Glaucoma 1, open angle, E; Amyotrophic lateral sclerosis type 12. Last evaluated: 2026-02-01. Review status: criteria provided, single submitter. Criteria: Invitae Variant Classification Sherloc (09022015). Collection method: clinical testing. Allele origin: germline.

Athena Diagnostics
Classification: Benign. Last evaluated: 2023-11-29. Review status: criteria provided, single submitter. Criteria: Athena Diagnostics Criteria. Collection method: clinical testing. Allele origin: unknown.

Mayo Clinic Laboratories, Mayo Clinic
Classification: Likely benign. Last evaluated: 2022-12-15. Review status: criteria provided, single submitter. Criteria: ACMG Guidelines, 2015. Collection method: clinical testing. Allele origin: germline. Observed: 8 variant alleles.
Comment: BS1, BP4, BP7

GeneDx
Classification: Likely benign. Last evaluated: 2020-03-11. Review status: criteria provided, single submitter. Criteria: GeneDx Variant Classification Process June 2021. Collection method: clinical testing. Allele origin: germline. Affected: yes.

Illumina Laboratory Services, Illumina
Classification: Benign for Primary open angle glaucoma. Last evaluated: 2018-01-13. Review status: criteria provided, single submitter. Criteria: ICSL Variant Classification Criteria 13 December 2019. Collection method: clinical testing. Allele origin: germline.
Comment: This variant was observed in the ICSL laboratory as part of a predisposition screen in an ostensibly healthy population. It had not been previously curated by ICSL or reported in the Human Gene Mutation Database (HGMD: prior to June 1st, 2018), and was therefore a candidate for classification through an automated scoring system. Utilizing variant allele frequency, disease prevalence and penetrance estimates, and inheritance mode, an automated score was calculated to assess if this variant is too frequent to cause the disease. Based on the score and internal cut-off values, a variant classified as benign is not then subjected to further curation. The score for this variant resulted in a classification of benign for this disease.

Illumina Laboratory Services, Illumina
Classification: Uncertain significance for Amyotrophic lateral sclerosis type 12. Last evaluated: 2018-01-13. Review status: criteria provided, single submitter. Criteria: ICSL Variant Classification Criteria 13 December 2019. Collection method: clinical testing. Allele origin: germline.

PreventionGenetics, part of Exact Sciences
Classification: Likely benign. Review status: criteria provided, single submitter. Criteria: ACMG Guidelines, 2015. Collection method: clinical testing. Allele origin: germline.

Clinical Genetics DNA and cytogenetics Diagnostics Lab, Erasmus MC, Erasmus Medical Center
Classification: Likely benign. Review status: no assertion criteria provided. Collection method: clinical testing. Allele origin: germline. Affected: yes. Study: VKGL Data-share Consensus. Not counted in ClinVar's aggregate classification.

Genome Diagnostics Laboratory, Amsterdam University Medical Center
Classification: Likely benign. Review status: no assertion criteria provided. Collection method: clinical testing. Allele origin: germline. Affected: yes. Study: VKGL Data-share Consensus. Not counted in ClinVar's aggregate classification.

Genome Diagnostics Laboratory, University Medical Center Utrecht
Classification: Likely benign. Review status: no assertion criteria provided. Collection method: clinical testing. Allele origin: germline. Affected: yes. Study: VKGL Data-share Consensus. Not counted in ClinVar's aggregate classification.

Literature cited by the submitters: PubMed 12789137 (cited by Athena Diagnostics); PubMed 11834836 (cited by Athena Diagnostics); PubMed 21613650 (cited by Athena Diagnostics); PubMed 22892313 (cited by Athena Diagnostics); PubMed 21550138 (cited by Athena Diagnostics); PubMed 14597044 (cited by Athena Diagnostics).

NM_001008212.2(OPTN):c.489A>G (p.Glu163=)

Gene: OPTN (optineurin; plus strand). Cytogenetic location: 10p13.
Variant type: single nucleotide variant.
Coding change: c.489A>G on transcript NM_001008212.2 (MANE Select); coding-DNA position 489, A replaced by G.
Protein change: p.Glu163=; no amino-acid change (glutamic acid 163 retained).
Molecular consequence: synonymous variant.
Genome position (GRCh38, 1-based): chr10:13,112,572, A>G. VCF-style: chr10-13112572-A-G. GRCh37 (hg19) VCF-style: chr10-13154572-A-G.
Other names: p.Glu163=; c.489A>G, p.Glu163= (NM_001008211.1, NM_001008213.1, NM_021980.4).
Identifiers: ClinVar variation 256881 (VCV000256881.62), dbSNP rs113811959, ClinGen allele CA5410636.